The following is an entry in ClinVar:

NM_001134363.3(RBM20):c.1138C>T (p.Arg380Trp)

Gene: RBM20 (RNA binding motif protein 20; plus strand). Cytogenetic location: 10q25.2.
Variant type: single nucleotide variant.
Coding change: c.1138C>T on transcript NM_001134363.3 (MANE Select); coding-DNA position 1138, C replaced by T.
Protein change: p.Arg380Trp; replaces arginine 380 with tryptophan.
Molecular consequence: missense variant.
Genome position (GRCh38, 1-based): chr10:110,781,747, C>T. VCF-style: chr10-110781747-C-T. GRCh37 (hg19) VCF-style: chr10-112541505-C-T.
Other names: short protein forms R380W.
Identifiers: ClinVar variation 470584 (VCV000470584.12), dbSNP rs540962668, ClinGen allele CA5688558.
Genomic context (GRCh38, chr10:110,781,747, plus strand): 5'-ACACCTCCTTCCTTCGGGGGTCGGCTTAACAACAGCAAACAGGGTTTTATCGGTGCTGGG[C>T]GGAGGGCCAAGGAGGACCAGGCGTTGCTATCTGTGCGGCCCCTGCAGGCTCATGAGCTGA-3'
Protein context (NP_001127835.2, residues 370-390): NSKQGFIGAG[Arg380Trp]RAKEDQALLS

ClinVar aggregate classification (germline): Conflicting classifications of pathogenicity. Review status: criteria provided, conflicting classifications (1 of 4 stars). 3 submissions from 3 submitters: Uncertain significance (2); Likely benign (1). Last evaluated 2026-01-04.

Conditions:
Dilated cardiomyopathy 1DD (CMD1DD). Identifiers: Orphanet 154, MedGen C2750995, MONDO:0013168, OMIM 613172.
Cardiovascular phenotype. Identifiers: MedGen CN230736.

Allele frequency attached by ClinVar (database versions not stated): gnomAD exomes 0.00002 and 0.00008; gnomAD 0.00005 and 0.00006; TOPMed 0.00007; ExAC 0.00009; 1000 Genomes Project 0.00020; 1000 Genomes Project 30x 0.00031.
gnomAD v4.1: 38 of 1,551,836 alleles (0.0024%); highest among the groups gnomAD compares: East Asian, 0.012%; no homozygotes.

Submissions (3):

Labcorp Genetics (formerly Invitae), Labcorp
Classification: Likely benign for Dilated cardiomyopathy 1DD. Last evaluated: 2026-01-04. Review status: criteria provided, single submitter. Criteria: Invitae Variant Classification Sherloc (09022015). Collection method: clinical testing. Allele origin: germline.

GeneDx
Classification: Uncertain significance. Last evaluated: 2024-08-14. Review status: criteria provided, single submitter. Criteria: GeneDx Variant Classification Process June 2021. Collection method: clinical testing. Allele origin: germline. Affected: yes.
Comment: Identified in a patient with ARVC in published literature (PMID: 30847666); In silico analysis indicates that this missense variant does not alter protein structure/function; This variant is associated with the following publications: (PMID: 36596842, 30847666)

Ambry Genetics
Classification: Uncertain significance for Cardiovascular phenotype. Last evaluated: 2024-03-12. Review status: criteria provided, single submitter. Criteria: Ambry Variant Classification Scheme 2023. Collection method: clinical testing. Allele origin: germline.
Comment: The p.R380W variant (also known as c.1138C>T), located in coding exon 2 of the RBM20 gene, results from a C to T substitution at nucleotide position 1138. The arginine at codon 380 is replaced by tryptophan, an amino acid with dissimilar properties. This variant was detected in an individual reported to have arrhythmogenic right ventricular cardiomyopathy; however, details were not provided (van Lint FHM et al. Neth Heart J. 2019 Jun;27(6):304-309). This amino acid position is not well conserved in available vertebrate species. In addition, this alteration is predicted to be tolerated by in silico analysis. Since supporting evidence is limited at this time, the clinical significance of this alteration remains unclear.

Literature cited by the submitters: PubMed 30847666 (cited by Ambry Genetics).